The following is an entry in ClinVar:

NM_016562.4(TLR7):c.19A>C (p.Thr7Pro)

Gene: TLR7 (toll like receptor 7; plus strand). Cytogenetic location: Xp22.2.
Variant type: single nucleotide variant.
Coding change: c.19A>C on transcript NM_016562.4 (MANE Select); coding-DNA position 19, A replaced by C.
Protein change: p.Thr7Pro; replaces threonine 7 with proline.
Molecular consequence: missense variant.
Genome position (GRCh38, 1-based): chrX:12,885,527, A>C. VCF-style: chrX-12885527-A-C. GRCh37 (hg19) VCF-style: chrX-12903646-A-C.
Other names: short protein forms T7P.
Identifiers: ClinVar variation 3709280 (VCV003709280.2).

ClinVar aggregate classification (germline): Uncertain significance (1 of 4 stars; one submission).

gnomAD v4.1: 16 of 1,199,690 alleles (0.0013%); highest among the groups gnomAD compares: Non-Finnish European, 0.0018%; no homozygotes.

Submission:

Labcorp Genetics (formerly Invitae), Labcorp
Classification: Uncertain significance. Last evaluated: 2024-11-16. Review status: criteria provided, single submitter. Criteria: Invitae Variant Classification Sherloc (09022015). Collection method: clinical testing. Allele origin: germline.
Comment: This sequence change replaces threonine, which is neutral and polar, with proline, which is neutral and non-polar, at codon 7 of the TLR7 protein (p.Thr7Pro). This variant is not present in population databases (gnomAD no frequency). This variant has not been reported in the literature in individuals affected with TLR7-related conditions. An algorithm developed to predict the effect of missense changes on protein structure and function (PolyPhen-2) suggests that this variant is likely to be tolerated. In summary, the available evidence is currently insufficient to determine the role of this variant in disease. Therefore, it has been classified as a Variant of Uncertain Significance.